The following is an entry in ClinVar:

ClinVar aggregate classification (germline): Conflicting classifications of pathogenicity. Review status: criteria provided, conflicting classifications (1 of 4 stars). 6 submissions from 6 submitters: Uncertain significance (1); Benign (1); Likely benign (4). Last evaluated 2025-01-09.

Conditions:
Familial pancreatic carcinoma. Identifiers: Orphanet 1333, MedGen C2931038, MONDO:0015278, OMIM 260350.
Hereditary cancer-predisposing syndrome. Also called: Tumor predisposition; Neoplastic Syndromes, Hereditary; Hereditary neoplastic syndrome; Hereditary Cancer Syndrome. Identifiers: Orphanet 140162, MedGen C0027672, MeSH D009386, MONDO:0015356.
Familial cancer of breast. Also called: Hereditary breast cancer; BREAST CANCER, FAMILIAL; hereditary breast carcinoma. Identifiers: Orphanet 227535, MedGen C0346153, MONDO:0016419, OMIM 114480. Disease mechanism: loss of function.

Allele frequency attached by ClinVar (database versions not stated): gnomAD exomes below 0.00001.

Submissions (6):

Myriad Genetics, Inc.
Classification: Benign for Familial cancer of breast. Last evaluated: 2025-01-09. Review status: criteria provided, single submitter. Criteria: Myriad Autosomal Dominant, Autosomal Recessive and X-Linked Classification Criteria (2023). Collection method: clinical testing. Allele origin: unknown.
Comment: This variant is considered benign. This variant is a silent/synonymous amino acid change and it is not expected to impact splicing.

Ambry Genetics
Classification: Uncertain significance for Hereditary cancer-predisposing syndrome. Last evaluated: 2024-06-19. Review status: criteria provided, single submitter. Criteria: Ambry Variant Classification Scheme 2023. Collection method: clinical testing. Allele origin: germline.
Comment: The c.45A>G variant (also known as p.E15E), located in coding exon 1 of the PALB2 gene, results from an A to G substitution at nucleotide position 45. This nucleotide substitution does not change the glutamic acid at codon 15. This nucleotide position is well conserved in available vertebrate species. In silico splice site analysis for this alteration is inconclusive and direct evidence is insufficient at this time (Ambry internal data). Based on the available evidence, the clinical significance of this variant remains unclear.

Color Diagnostics, LLC DBA Color Health
Classification: Likely benign for Hereditary cancer-predisposing syndrome. Last evaluated: 2024-02-12. Review status: criteria provided, single submitter. Criteria: ACMG Guidelines, 2015. Collection method: clinical testing. Allele origin: germline.

Department of Pathology and Laboratory Medicine, Sinai Health System
Classification: Likely benign for Familial pancreatic carcinoma. Last evaluated: 2023-10-23. Review status: criteria provided, single submitter. Criteria: ACMG Guidelines, 2015. Collection method: clinical testing. Allele origin: germline. Affected: yes.

Labcorp Genetics (formerly Invitae), Labcorp
Classification: Likely benign for Familial cancer of breast. Last evaluated: 2022-09-20. Review status: criteria provided, single submitter. Criteria: Invitae Variant Classification Sherloc (09022015). Collection method: clinical testing. Allele origin: germline.

GeneDx
Classification: Likely benign. Last evaluated: 2018-05-30. Review status: criteria provided, single submitter. Criteria: GeneDx Variant Classification (06012015). Collection method: clinical testing. Allele origin: germline. Affected: yes.
Comment: This variant is considered likely benign or benign based on one or more of the following criteria: it is a conservative change, it occurs at a poorly conserved position in the protein, it is predicted to be benign by multiple in silico algorithms, and/or has population frequency not consistent with disease.

NM_024675.4(PALB2):c.45A>G (p.Glu15=)

Gene: PALB2 (partner and localizer of BRCA2; minus strand). Cytogenetic location: 16p12.2.
Variant type: single nucleotide variant.
Coding change: c.45A>G on transcript NM_024675.4 (MANE Select); coding-DNA position 45, A replaced by G.
Protein change: p.Glu15=; no amino-acid change (glutamic acid 15 retained).
Molecular consequence: synonymous variant.
Genome position (GRCh38, 1-based): chr16:23,641,113, T>C on the plus strand (A>G on the coding strand, the complement: PALB2 is on the minus strand). VCF-style: chr16-23641113-T-C. GRCh37 (hg19) VCF-style: chr16-23652434-T-C.
Identifiers: ClinVar variation 415998 (VCV000415998.19), dbSNP rs1060504718, ClinGen allele CA16614880.